The following is an entry in ClinVar:

NM_052874.5(STX1B):c.537+3G>C

Gene: STX1B (syntaxin 1B; minus strand). Cytogenetic location: 16p11.2.
Variant type: single nucleotide variant.
Coding change: c.537+3G>C on transcript NM_052874.5 (MANE Select); 3 bases into the intron after coding-DNA position 537, G replaced by C.
Molecular consequence: intron variant.
Genome position (GRCh38, 1-based): chr16:30,996,680, C>G on the plus strand (G>C on the coding strand, the complement: STX1B is on the minus strand). VCF-style: chr16-30996680-C-G. GRCh37 (hg19) VCF-style: chr16-31008001-C-G.
Identifiers: ClinVar variation 2857309 (VCV002857309.3), dbSNP rs2543959086, ClinGen allele CA2739266725.

ClinVar aggregate classification (germline): Uncertain significance (1 of 4 stars; one submission).

Conditions:
Generalized epilepsy with febrile seizures plus, type 9 (GEFSP9). Also called: GEFS+, TYPE 9. Identifiers: Orphanet 36387, MedGen C4015395, MONDO:0014517, OMIM 616172.

Submission:

Labcorp Genetics (formerly Invitae), Labcorp
Classification: Uncertain significance for Generalized epilepsy with febrile seizures plus, type 9. Last evaluated: 2023-06-16. Review status: criteria provided, single submitter. Criteria: Invitae Variant Classification Sherloc (09022015). Collection method: clinical testing. Allele origin: germline.
Comment: In summary, the available evidence is currently insufficient to determine the role of this variant in disease. Therefore, it has been classified as a Variant of Uncertain Significance. Variants that disrupt the consensus splice site are a relatively common cause of aberrant splicing (PMID: 17576681, 9536098). Algorithms developed to predict the effect of sequence changes on RNA splicing suggest that this variant may disrupt the consensus splice site. This variant has not been reported in the literature in individuals affected with STX1B-related conditions. This variant is not present in population databases (gnomAD no frequency). This sequence change falls in intron 7 of the STX1B gene. It does not directly change the encoded amino acid sequence of the STX1B protein. It affects a nucleotide within the consensus splice site.

Literature cited by the submitters: PubMed 17576681; PubMed 9536098.